The following is an entry in ClinVar:

NM_015065.3(EXPH5):c.126T>A (p.Leu42=)

Gene: EXPH5 (exophilin 5; minus strand). Cytogenetic location: 11q22.3.
Variant type: single nucleotide variant.
Coding change: c.126T>A on transcript NM_015065.3 (MANE Select); coding-DNA position 126, T replaced by A.
Protein change: p.Leu42=; no amino-acid change (leucine 42 retained).
Molecular consequence: synonymous variant. On other transcripts: 5 prime UTR variant (1).
Genome position (GRCh38, 1-based): chr11:108,541,806, A>T on the plus strand (T>A on the coding strand, the complement: EXPH5 is on the minus strand). VCF-style: chr11-108541806-A-T. GRCh37 (hg19) VCF-style: chr11-108412533-A-T.
Other names: c.105T>A, p.Leu35= (NM_001308019.2); c.-103T>A (NM_001144763.2); c.126T>A (NM_015065.2).
Identifiers: ClinVar variation 2064399 (VCV002064399.6), dbSNP rs367556701, ClinGen allele CA6268346.
Genomic context (GRCh38, chr11:108,541,806, plus strand): 5'-TTCTTCAAACCATTCACCAGTCACTCCCTGAAGCCATCTGATATCCCTCTTTGTCTTCTG[A>T]AGTTTGCTGAAATAAAATAAAACATTAATGTGGTCTTTATTTATTTTCTTAACATCAAGC-3'
Protein context (NP_055880.2, residues 32-52): QRAEKDRISK[Leu42=]QKTKRDIRWL

ClinVar aggregate classification (germline): Benign. Review status: criteria provided, single submitter (1 of 4 stars). 2 submissions from 2 submitters: Benign (1). 1 of the submissions does not count toward it. Last evaluated 2024-02-02.

Conditions:
EXPH5-related disorder. Also called: EXPH5-related condition.

Allele frequency attached by ClinVar (database versions not stated): 1000 Genomes Project 30x 0.00562; 1000 Genomes Project 0.00579; TOPMed 0.00015; ESP Exome Variant Server 0.00008; gnomAD 0.00082; gnomAD exomes 0.00135; ExAC 0.00319.
gnomAD v4.1: 2,044 of 1,587,376 alleles (0.13%); highest among the groups gnomAD compares: South Asian, 2.2%; 43 homozygotes.

Submissions (2):

Labcorp Genetics (formerly Invitae), Labcorp
Classification: Benign. Last evaluated: 2024-02-02. Review status: criteria provided, single submitter. Criteria: Invitae Variant Classification Sherloc (09022015). Collection method: clinical testing. Allele origin: germline.

PreventionGenetics, part of Exact Sciences
Classification: Benign for EXPH5-related condition. Last evaluated: 2019-04-08. Review status: no assertion criteria provided. Collection method: clinical testing. Allele origin: germline. Not counted in ClinVar's aggregate classification.
Comment: This variant is classified as benign based on ACMG/AMP sequence variant interpretation guidelines (Richards et al. 2015 PMID: 25741868, with internal and published modifications).